The following is an entry in ClinVar:

NM_025074.7(FRAS1):c.10418C>T (p.Thr3473Ile)

Gene: FRAS1 (Fraser extracellular matrix complex subunit 1; plus strand). Cytogenetic location: 4q21.21.
Variant type: single nucleotide variant.
Coding change: c.10418C>T on transcript NM_025074.7 (MANE Select); coding-DNA position 10418, C replaced by T.
Protein change: p.Thr3473Ile; replaces threonine 3473 with isoleucine.
Molecular consequence: missense variant.
Genome position (GRCh38, 1-based): chr4:78,519,359, C>T. VCF-style: chr4-78519359-C-T. GRCh37 (hg19) VCF-style: chr4-79440513-C-T.
Other names: short protein forms T3473I.
Identifiers: ClinVar variation 1447236 (VCV001447236.5), dbSNP rs746290270, ClinGen allele CA2978962.

ClinVar aggregate classification (germline): Uncertain significance. Review status: criteria provided, multiple submitters, no conflicts (2 of 4 stars). 2 submissions from 2 submitters: Uncertain significance (2). Last evaluated 2023-12-23.

Conditions:
Fraser syndrome 1 (FRASRS1). Also called: CRYPTOPHTHALMOS WITH OTHER MALFORMATIONS. Identifiers: Orphanet 2052, MedGen C4551480, MONDO:0054737, OMIM 219000.

Allele frequency attached by ClinVar (database versions not stated): gnomAD exomes 0.00002 and 0.00004; gnomAD 0.00003 and 0.00004; ExAC 0.00005; TOPMed 0.00010.
gnomAD v4.1: 33 of 1,582,620 alleles (0.0021%); highest among the groups gnomAD compares: African/African-American, 0.028%; no homozygotes.

Submissions (2):

Fulgent Genetics
Classification: Uncertain significance for Fraser syndrome 1. Last evaluated: 2023-12-23. Review status: criteria provided, single submitter. Criteria: ACMG Guidelines, 2015. Collection method: clinical testing. Allele origin: germline.

Labcorp Genetics (formerly Invitae), Labcorp
Classification: Uncertain significance. Last evaluated: 2022-09-01. Review status: criteria provided, single submitter. Criteria: Invitae Variant Classification Sherloc (09022015). Collection method: clinical testing. Allele origin: germline.
Comment: This sequence change replaces threonine, which is neutral and polar, with isoleucine, which is neutral and non-polar, at codon 3473 of the FRAS1 protein (p.Thr3473Ile). This variant is present in population databases (rs746290270, gnomAD 0.03%). This variant has not been reported in the literature in individuals affected with FRAS1-related conditions. ClinVar contains an entry for this variant (Variation ID: 1447236). Algorithms developed to predict the effect of missense changes on protein structure and function (SIFT, PolyPhen-2, Align-GVGD) all suggest that this variant is likely to be disruptive. In summary, the available evidence is currently insufficient to determine the role of this variant in disease. Therefore, it has been classified as a Variant of Uncertain Significance.